The following is an entry in ClinVar:

ClinVar aggregate classification (germline): Likely benign. Review status: criteria provided, multiple submitters, no conflicts (2 of 4 stars). 3 submissions from 3 submitters: Likely benign (3). Last evaluated 2025-11-25.

Conditions:
Nephronophthisis 14 (NPHP14). Identifiers: Orphanet 2318, MedGen C3539071, MONDO:0013916, OMIM 614844.

Allele frequency attached by ClinVar (database versions not stated): ExAC 0.00003; gnomAD 0.00003 and 0.00004; gnomAD exomes 0.00004 and 0.00005; TOPMed 0.00004; ESP Exome Variant Server 0.00008.
gnomAD v4.1: 73 of 1,613,680 alleles (0.0045%); highest among the groups gnomAD compares: Admixed American, 0.0067%; 1 homozygote.

Submissions (3):

Labcorp Genetics (formerly Invitae), Labcorp
Classification: Likely benign for Nephronophthisis 14. Last evaluated: 2025-11-25. Review status: criteria provided, single submitter. Criteria: Invitae Variant Classification Sherloc (09022015). Collection method: clinical testing. Allele origin: germline.

Blueprint Genetics
Classification: Likely benign. Last evaluated: 2023-05-05. Review status: criteria provided, single submitter. Criteria: ACMG Guidelines, 2015. Collection method: clinical testing. Allele origin: germline.

CeGaT Center for Human Genetics Tuebingen
Classification: Likely benign. Last evaluated: 2023-02-01. Review status: criteria provided, single submitter. Criteria: CeGaT Center For Human Genetics Tuebingen Variant Classification Criteria Version 2. Collection method: clinical testing. Allele origin: germline. Affected: yes. Observed: 1 variant allele.
Comment: ZNF423: BP4, BP7

NM_001379286.1(ZNF423):c.2664C>T (p.Asp888=)

Gene: ZNF423 (zinc finger protein 423; minus strand). Cytogenetic location: 16q12.1.
Variant type: single nucleotide variant.
Coding change: c.2664C>T on transcript NM_001379286.1 (MANE Select); coding-DNA position 2664, C replaced by T.
Protein change: p.Asp888=; no amino-acid change (aspartic acid 888 retained).
Molecular consequence: synonymous variant.
Genome position (GRCh38, 1-based): chr16:49,636,512, G>A on the plus strand (C>T on the coding strand, the complement: ZNF423 is on the minus strand). VCF-style: chr16-49636512-G-A. GRCh37 (hg19) VCF-style: chr16-49670423-G-A.
Other names: c.2460C>T, p.Asp820= (NM_001271620.2); c.2289C>T, p.Asp763= (NM_001330533.2); c.2640C>T, p.Asp880= (NM_015069.5).
Identifiers: ClinVar variation 1137331 (VCV001137331.33), dbSNP rs376264701, ClinGen allele CA8046458.